The following is an entry in ClinVar:

ClinVar aggregate classification (germline): Pathogenic (1 of 4 stars; one submission).

Conditions:
Tuberous sclerosis 2 (TSC2). Identifiers: Orphanet 805, MedGen C1860707, MONDO:0013199, OMIM 613254.

Submission:

Labcorp Genetics (formerly Invitae), Labcorp
Classification: Pathogenic for Tuberous sclerosis 2. Last evaluated: 2016-03-07. Review status: criteria provided, single submitter. Criteria: Invitae Variant Classification Sherloc (09022015). Collection method: clinical testing. Allele origin: unknown.
Comment: This sequence change is a complex rearrangement involving the final exon of the TSC2 gene. The 3' end of this event is unknown as it extends through the termination codon beyond the assayed region for this gene and may encompass additional genes. This sequence change results in a frameshift at codon 1791 in exon 42 of the TSC2 mRNA. This is predicted to create a premature translational stop signal (p.Gly1791Valfs*14). While this is not anticipated to result in nonsense mediated decay, it is expected to create a truncated TSC2 protein by replacing the last 17 amino acids with 14 random amino acids. For these reasons, this variant has been classified as Pathogenic. While this particular variant has not been reported in the literature, a frameshift variant, c.5405_5408dup (p.Phe1803Leufs*42), located downstream of the 5' end of this event has been reported as a disease-causing de novo variant in an individual affected with tuberous sclerosis complex (TSC) (PMID: 24789117), suggesting that frameshift variants affecting the very C-terminal of TSC2 impact protein function and cause disease.

Literature cited by the submitters: PubMed 24789117.

NC_000016.9:g.(?_2138557)_(2150745_?)del

Genes: MIR1225 (microRNA 1225; minus strand), PKD1 (polycystin 1, transient receptor potential channel interacting; minus strand), TSC2 (TSC complex subunit 2; plus strand). Cytogenetic location: 16p13.3.
Variant type: Deletion.
Identifiers: ClinVar variation 3243475 (VCV003243475.1).